The following is an entry in ClinVar:

ClinVar aggregate classification (germline): Uncertain significance (1 of 4 stars; one submission).

gnomAD v4.1: 8 of 1,612,000 alleles (0.0005%); highest among the groups gnomAD compares: Middle Eastern, 0.016%; no homozygotes.

Submission:

Labcorp Genetics (formerly Invitae), Labcorp
Classification: Uncertain significance. Last evaluated: 2025-05-04. Review status: criteria provided, single submitter. Criteria: Invitae Variant Classification Sherloc (09022015). Collection method: clinical testing. Allele origin: germline.
Comment: This sequence change replaces glutamine, which is neutral and polar, with histidine, which is basic and polar, at codon 802 of the GANAB protein (p.Gln802His). This variant is present in population databases (rs752912028, gnomAD 0.004%). This variant has not been reported in the literature in individuals affected with GANAB-related conditions. Invitae Evidence Modeling of protein sequence and biophysical properties (such as structural, functional, and spatial information, amino acid conservation, physicochemical variation, residue mobility, and thermodynamic stability) indicates that this missense variant is not expected to disrupt GANAB protein function with a negative predictive value of 80%. In summary, the available evidence is currently insufficient to determine the role of this variant in disease. Therefore, it has been classified as a Variant of Uncertain Significance.

NM_198334.3(GANAB):c.2340A>C (p.Gln780His)

Gene: GANAB (glucosidase II alpha subunit; minus strand). Cytogenetic location: 11q12.3.
Variant type: single nucleotide variant.
Coding change: c.2340A>C on transcript NM_198334.3 (MANE Select); coding-DNA position 2340, A replaced by C.
Protein change: p.Gln780His; replaces glutamine 780 with histidine.
Molecular consequence: missense variant.
Genome position (GRCh38, 1-based): chr11:62,626,917, T>G on the plus strand (A>C on the coding strand, the complement: GANAB is on the minus strand). VCF-style: chr11-62626917-T-G. GRCh37 (hg19) VCF-style: chr11-62394389-T-G.
Other names: c.2064A>C, p.Gln688His (NM_001278192.2); c.1998A>C, p.Gln666His (NM_001278193.2); c.2049A>C, p.Gln683His (NM_001278194.2, NM_001329222.2, NM_001329223.2); c.1617A>C, p.Gln539His (NM_001329224.2, NM_001329225.2); c.2406A>C, p.Gln802His (NM_198335.4); short protein forms Q539H, Q666H, Q683H, Q688H, Q780H, Q802H.
Identifiers: ClinVar variation 4808192 (VCV004808192.1).